The following is an entry in ClinVar:

ClinVar aggregate classification (germline): Conflicting classifications of pathogenicity. Review status: criteria provided, conflicting classifications (1 of 4 stars). 6 submissions from 6 submitters: Uncertain significance (5); Likely benign (1). Last evaluated 2025-07-13.

Conditions:
Cardiovascular phenotype. Identifiers: MedGen CN230736.
Catecholaminergic polymorphic ventricular tachycardia 1. Also called: VENTRICULAR TACHYCARDIA, STRESS-INDUCED POLYMORPHIC 1; RYR2-Related Catecholaminergic Polymorphic Ventricular Tachycardia; VENTRICULAR TACHYCARDIA, CATECHOLAMINERGIC POLYMORPHIC, 1, WITH OR WITHOUT ATRIAL DYSFUNCTION AND/OR DILATED CARDIOMYOPATHY. Identifiers: Orphanet 3286, MedGen C1631597, MONDO:0011484, OMIM 604772.
Arrhythmogenic right ventricular dysplasia 2. Identifiers: MedGen C1832931.
Ventricular arrhythmias due to cardiac ryanodine receptor calcium release deficiency syndrome. Also called: Autosomal dominant cardiac arrhythmia (Kuhn). Identifiers: MedGen C5542154, MONDO:0020745, OMIM 115000.
Catecholaminergic polymorphic ventricular tachycardia (CVPT). Also called: Catecholamine-induced polymorphic ventricular tachycardia. Identifiers: Orphanet 3286, MedGen C5574922, MONDO:0017990.
Cardiomyopathy (CMYO). Also called: Cardiomyopathies. Identifiers: Orphanet 167848, MedGen C0878544, MONDO:0004994, HP:0001638. Inheritance: Various modes of inheritance.

Allele frequency attached by ClinVar (database versions not stated): ExAC 0.00002; TOPMed 0.00002.
gnomAD v4.1: 34 of 1,613,798 alleles (0.0021%); highest among the groups gnomAD compares: Admixed American, 0.0033%; no homozygotes.

Submissions (6):

Labcorp Genetics (formerly Invitae), Labcorp
Classification: Likely benign for Catecholaminergic polymorphic ventricular tachycardia 1. Last evaluated: 2025-07-13. Review status: criteria provided, single submitter. Criteria: Invitae Variant Classification Sherloc (09022015). Collection method: clinical testing. Allele origin: germline.

All of Us Research Program, National Institutes of Health
Classification: Uncertain significance for Catecholaminergic polymorphic ventricular tachycardia. Last evaluated: 2023-12-18. Review status: criteria provided, single submitter. Criteria: ACMG Guidelines, 2015. Collection method: clinical testing. Allele origin: germline. Inheritance: Autosomal dominant inheritance. Observed: 6 variant alleles, 6 heterozygotes.
Comment: This variant replaces proline with leucine at codon 1124 of the RYR2 protein. Computational prediction suggests that this variant may not impact protein structure and function (internally defined REVEL score threshold <= 0.5, PMID: 27666373). A functional study has reported that transgenic mice homozygous for this variant show mild cardiac hypertrophy and an increased susceptibility to arrhythmia before the onset of hypertrophy (PMID: 30835254). This variant has been reported in an individual affected with hypertrophic cardiomyopathy (PMID: 30835254). This variant has been identified in 7/249216 chromosomes in the general population by the Genome Aggregation Database (gnomAD). The available evidence is insufficient to determine the role of this variant in disease conclusively. Therefore, this variant is classified as a Variant of Uncertain Significance.

This study involves interpretation of variants in research participants for the purpose of population health screening. Participant phenotype was not available at the time of variant classification. Additional details can be found in publication PMID: 35346344, PMCID: PMC8962531

Color Diagnostics, LLC DBA Color Health
Classification: Uncertain significance for Cardiomyopathy. Last evaluated: 2023-11-30. Review status: criteria provided, single submitter. Criteria: ACMG Guidelines, 2015. Collection method: clinical testing. Allele origin: germline.
Comment: This variant replaces proline with leucine at codon 1124 of the RYR2 protein. Computational prediction tools indicate that this variant has a neutral impact on protein structure and function. A functional study has reported that transgenic homozygous mice for this variant show mild cardiac hypertrophy and an increased susceptibility to arrhythmia before the onset of hypertrophy (PMID: 30835254). This variant has been reported in an individual affected with hypertrophic cardiomyopathy (PMID: 30835254). This variant has been identified in 7/249216 chromosomes in the general population by the Genome Aggregation Database (gnomAD). The available evidence is insufficient to determine the role of this variant in disease conclusively. Therefore, this variant is classified as a Variant of Uncertain Significance.

Blueprint Genetics
Classification: Uncertain significance. Last evaluated: 2021-08-26. Review status: criteria provided, single submitter. Criteria: ACMG Guidelines, 2015. Collection method: clinical testing. Allele origin: germline.

Fulgent Genetics
Classification: Uncertain significance for Ventricular arrhythmias due to cardiac ryanodine receptor calcium release deficiency syndrome; Catecholaminergic polymorphic ventricular tachycardia 1. Last evaluated: 2021-08-03. Review status: criteria provided, single submitter. Criteria: ACMG Guidelines, 2015. Collection method: clinical testing. Allele origin: unknown.

Ambry Genetics
Classification: Uncertain significance for Cardiovascular phenotype. Last evaluated: 2021-01-25. Review status: criteria provided, single submitter. Criteria: Ambry Variant Classification Scheme 2023. Collection method: clinical testing. Allele origin: germline.
Comment: The p.P1124L variant (also known as c.3371C>T), located in coding exon 28 of the RYR2 gene, results from a C to T substitution at nucleotide position 3371. The proline at codon 1124 is replaced by leucine, an amino acid with similar properties. This alteration has been reported in a subject with hypertrophic cardiomyopathy (HCM) and may have an impact on protein function (Alvarado FJ et al. JCI Insight, 2019 03;5:). This amino acid position is highly conserved in available vertebrate species. In addition, the in silico prediction for this alteration is inconclusive. Since supporting evidence is limited at this time, the clinical significance of this alteration remains unclear.

Literature cited by the submitters: PubMed 30835254 (cited by 3 submitters).

NM_001035.3(RYR2):c.3371C>T (p.Pro1124Leu)

Gene: RYR2 (ryanodine receptor 2; plus strand). Cytogenetic location: 1q43.
Variant type: single nucleotide variant.
Coding change: c.3371C>T on transcript NM_001035.3 (MANE Select); coding-DNA position 3371, C replaced by T.
Protein change: p.Pro1124Leu; replaces proline 1124 with leucine.
Molecular consequence: missense variant.
Genome position (GRCh38, 1-based): chr1:237,566,723, C>T. VCF-style: chr1-237566723-C-T. GRCh37 (hg19) VCF-style: chr1-237730023-C-T.
Other names: c.3371C>T, p.Pro1124Leu (LRG_402t1); short protein forms P1124L.
Identifiers: ClinVar variation 532336 (VCV000532336.21), dbSNP rs779640835, ClinGen allele CA086359.